The following is an entry in ClinVar:

ClinVar aggregate classification (germline): Benign/Likely benign. Review status: criteria provided, multiple submitters, no conflicts (2 of 4 stars). 5 submissions from 5 submitters: Benign (2); Likely benign (2). 1 of the submissions does not count toward it. Last evaluated 2026-01-05.

Conditions:
PDE4D-related disorder. Also called: PDE4D-related condition.
Acrodysostosis 2 with or without hormone resistance. Also called: ACRODYSOSTOSIS 2 WITH HORMONE RESISTANCE; ACRODYSOSTOSIS 2 WITHOUT HORMONE RESISTANCE. Identifiers: Orphanet 280651, MedGen C3553250, MONDO:0013822, OMIM 614613.

Allele frequency attached by ClinVar (database versions not stated): gnomAD exomes 0.00137; ExAC 0.00173; gnomAD 0.00510 and 0.00540; ESP Exome Variant Server 0.00549; TOPMed 0.00576; 1000 Genomes Project 30x 0.00843; 1000 Genomes Project 0.00859.
gnomAD v4.1: 1,549 of 1,610,308 alleles (0.096%); highest among the groups gnomAD compares: African/African-American, 1.8%; 18 homozygotes.

Submissions (5):

Labcorp Genetics (formerly Invitae), Labcorp
Classification: Benign. Last evaluated: 2026-01-05. Review status: criteria provided, single submitter. Criteria: Invitae Variant Classification Sherloc (09022015). Collection method: clinical testing. Allele origin: germline.

GeneDx
Classification: Likely benign. Last evaluated: 2019-03-09. Review status: criteria provided, single submitter. Criteria: GeneDx Variant Classification Process June 2021. Collection method: clinical testing. Allele origin: germline. Affected: yes.

Illumina Laboratory Services, Illumina
Classification: Benign for Acrodysostosis 2 with or without hormone resistance. Last evaluated: 2018-01-13. Review status: criteria provided, single submitter. Criteria: ICSL Variant Classification Criteria 13 December 2019. Collection method: clinical testing. Allele origin: germline.
Comment: This variant was observed in the ICSL laboratory as part of a predisposition screen in an ostensibly healthy population. It had not been previously curated by ICSL or reported in the Human Gene Mutation Database (HGMD: prior to June 1st, 2018), and was therefore a candidate for classification through an automated scoring system. Utilizing variant allele frequency, disease prevalence and penetrance estimates, and inheritance mode, an automated score was calculated to assess if this variant is too frequent to cause the disease. Based on the score and internal cut-off values, a variant classified as benign is not then subjected to further curation. The score for this variant resulted in a classification of benign for this disease.

Breakthrough Genomics
Classification: Likely benign. Review status: criteria provided, single submitter. Criteria: ACMG Guidelines, 2015. Collection method: not provided. Allele origin: germline. Inheritance: Autosomal dominant inheritance. Affected: yes.

PreventionGenetics, part of Exact Sciences
Classification: Benign for PDE4D-related condition. Last evaluated: 2019-09-23. Review status: no assertion criteria provided. Collection method: clinical testing. Allele origin: germline. Not counted in ClinVar's aggregate classification.
Comment: This variant is classified as benign based on ACMG/AMP sequence variant interpretation guidelines (Richards et al. 2015 PMID: 25741868, with internal and published modifications).

NM_001104631.2(PDE4D):c.1692A>G (p.Lys564=)

Gene: PDE4D (phosphodiesterase 4D; minus strand). Cytogenetic location: 5q11.2.
Variant type: single nucleotide variant.
Coding change: c.1692A>G on transcript NM_001104631.2 (MANE Select); coding-DNA position 1692, A replaced by G.
Protein change: p.Lys564=; no amino-acid change (lysine 564 retained).
Molecular consequence: synonymous variant.
Genome position (GRCh38, 1-based): chr5:58,977,206, T>C on the plus strand (A>G on the coding strand, the complement: PDE4D is on the minus strand). VCF-style: chr5-58977206-T-C. GRCh37 (hg19) VCF-style: chr5-58273033-T-C.
Other names: c.1509A>G, p.Lys503= (NM_001165899.2, NM_001364599.1); c.1500A>G, p.Lys500= (NM_001197218.2); c.1326A>G, p.Lys442= (NM_001197219.2); c.1302A>G, p.Lys434= (NM_001197220.2); c.786A>G, p.Lys262= (NM_001197221.2, NM_001364603.1); c.1020A>G, p.Lys340= (NM_001197222.2); c.819A>G, p.Lys273= (NM_001197223.2); c.1479A>G, p.Lys493= (NM_001349241.2); and 3 more.
Identifiers: ClinVar variation 353988 (VCV000353988.20), dbSNP rs115807337, ClinGen allele CA3276030.